The following is an entry in ClinVar:

NM_004218.4(RAB11B):c.304G>C (p.Val102Leu)

Gene: RAB11B (RAB11B, member RAS oncogene family; plus strand). Cytogenetic location: 19p13.2.
Variant type: single nucleotide variant.
Coding change: c.304G>C on transcript NM_004218.4 (MANE Select); coding-DNA position 304, G replaced by C.
Protein change: p.Val102Leu; replaces valine 102 with leucine.
Molecular consequence: missense variant.
Genome position (GRCh38, 1-based): chr19:8,402,153, G>C. VCF-style: chr19-8402153-G-C. GRCh37 (hg19) VCF-style: chr19-8467037-G-C.
Other names: short protein forms V102L.
Identifiers: ClinVar variation 2124703 (VCV002124703.4), dbSNP rs1437902263, ClinGen allele CA403712220.
Genomic context (GRCh38, chr19:8,402,153, plus strand): 5'-CGTGGTGCAGTGGGCGCCCTGCTGGTGTACGACATCGCCAAGCACCTGACCTATGAGAAC[G>C]TGGAGCGCTGGCTGAAGGAGCTGCGGGACCACGCAGACAGCAACATCGTCATCATGCTGG-3'
Protein context (NP_004209.2, residues 92-112): DIAKHLTYEN[Val102Leu]ERWLKELRDH

ClinVar aggregate classification (germline): Uncertain significance (1 of 4 stars; one submission).

gnomAD v4.1: 7 of 1,607,944 alleles (0.00044%); highest among the groups gnomAD compares: Non-Finnish European, 0.00051%; no homozygotes.

Submission:

Labcorp Genetics (formerly Invitae), Labcorp
Classification: Uncertain significance. Last evaluated: 2022-04-11. Review status: criteria provided, single submitter. Criteria: Invitae Variant Classification Sherloc (09022015). Collection method: clinical testing. Allele origin: germline.
Comment: In summary, the available evidence is currently insufficient to determine the role of this variant in disease. Therefore, it has been classified as a Variant of Uncertain Significance. Algorithms developed to predict the effect of missense changes on protein structure and function are either unavailable or do not agree on the potential impact of this missense change (SIFT: "Tolerated"; PolyPhen-2: "Possibly Damaging"; Align-GVGD: "Class C0"). This variant has not been reported in the literature in individuals affected with RAB11B-related conditions. The frequency data for this variant in the population databases is considered unreliable, as metrics indicate poor data quality at this position in the gnomAD database. This sequence change replaces valine, which is neutral and non-polar, with leucine, which is neutral and non-polar, at codon 102 of the RAB11B protein (p.Val102Leu).